The following is an entry in ClinVar:

ClinVar aggregate classification (germline): Uncertain significance (1 of 4 stars; one submission).

Conditions:
Ataxia-telangiectasia syndrome (AT). Also called: Immunodeficiency with ataxia telangiectasia; Ataxia-telangiectasia, complementation group D; AT, COMPLEMENTATION GROUP C; ATAXIA-TELANGIECTASIA, COMPLEMENTATION GROUP A; ATAXIA-TELANGIECTASIA, FRESNO VARIANT; Ataxia-telangiectasia. Identifiers: Orphanet 100, MedGen C0004135, MONDO:0008840, OMIM 208900.
Familial cancer of breast. Also called: BREAST CANCER, FAMILIAL; Hereditary breast cancer; hereditary breast carcinoma. Identifiers: Orphanet 227535, MedGen C0346153, MONDO:0016419, OMIM 114480. Disease mechanism: loss of function.

Submission:

Juno Genomics, Hangzhou Juno Genomics, Inc
Classification: Uncertain significance for Familial cancer of breast; Ataxia-telangiectasia syndrome. Review status: criteria provided, single submitter. Criteria: ACMG Guidelines, 2015. Collection method: clinical testing. Allele origin: germline.
Comment: Absent from controls (or at extremely low frequency if recessive) in Genome Aggregation Database.;Multiple lines of computational evidence support a deleterious effect on the gene or gene product.

NM_000051.4(ATM):c.8660A>T (p.His2887Leu)

Genes: ATM (ATM serine/threonine kinase; plus strand), C11orf65 (chromosome 11 open reading frame 65; minus strand). Cytogenetic location: 11q22.3.
Variant type: single nucleotide variant.
Coding change: c.8660A>T on transcript NM_000051.4 (MANE Select); coding-DNA position 8660, A replaced by T.
Protein change: p.His2887Leu; replaces histidine 2887 with leucine.
Molecular consequence: missense variant. On other transcripts: intron variant (2).
Genome position (GRCh38, 1-based): chr11:108,347,354, A>T. VCF-style: chr11-108347354-A-T. GRCh37 (hg19) VCF-style: chr11-108218081-A-T.
Other names: c.8660A>T, p.His2887Leu (NM_001351834.2); c.641-38283T>A (NM_001330368.2); c.695-12062T>A (NM_001351110.2); short protein forms H2887L.
Identifiers: ClinVar variation 5018692 (VCV005018692.2).